The following is an entry in ClinVar:

NM_024577.4(SH3TC2):c.1105C>T (p.Arg369Cys)

Gene: SH3TC2 (SH3 domain and tetratricopeptide repeats 2; minus strand). Cytogenetic location: 5q32.
Variant type: single nucleotide variant.
Coding change: c.1105C>T on transcript NM_024577.4 (MANE Select); coding-DNA position 1105, C replaced by T.
Protein change: p.Arg369Cys; replaces arginine 369 with cysteine.
Molecular consequence: missense variant.
Genome position (GRCh38, 1-based): chr5:149,031,584, G>A on the plus strand (C>T on the coding strand, the complement: SH3TC2 is on the minus strand). VCF-style: chr5-149031584-G-A. GRCh37 (hg19) VCF-style: chr5-148411147-G-A.
Other names: short protein forms R369C.
Identifiers: ClinVar variation 351915 (VCV000351915.15), dbSNP rs569974719, ClinGen allele CA3499292.

ClinVar aggregate classification (germline): Conflicting classifications of pathogenicity. Review status: criteria provided, conflicting classifications (1 of 4 stars). 4 submissions from 3 submitters: Uncertain significance (3); Likely benign (1). Last evaluated 2025-08-20.

Conditions:
Susceptibility to mononeuropathy of the median nerve, mild. Also called: CARPAL TUNNEL SYNDROME, SUSCEPTIBILITY TO. Identifiers: MedGen C3150596, MONDO:0013237, OMIM 613353.
Charcot-Marie-Tooth disease type 4C (CMT4C). Also called: CHARCOT-MARIE-TOOTH DISEASE, DEMYELINATING, AUTOSOMAL RECESSIVE, TYPE 4C; CMT 4C; Charcot-Marie-Tooth Neuropathy Type 4C (CMT4C); CHARCOT-MARIE-TOOTH DISEASE, DEMYELINATING, TYPE 4C; SH3TC2-Related Hereditary Motor and Sensory Neuropathy. Identifiers: Orphanet 99949, MedGen C1866636, MONDO:0011113, OMIM 601596.
Charcot-Marie-Tooth disease type 4. Also called: Charcot-Marie-Tooth, Type 4; Charcot-Marie-Tooth disease, type IV. Identifiers: Orphanet 64749, MedGen C4082197, MONDO:0018995.

Allele frequency attached by ClinVar (database versions not stated): TOPMed 0.00002; gnomAD exomes 0.00004 and 0.00008; ExAC 0.00008; 1000 Genomes Project 30x 0.00016; 1000 Genomes Project 0.00020.
gnomAD v4.1: 66 of 1,614,124 alleles (0.0041%); highest among the groups gnomAD compares: South Asian, 0.046%; no homozygotes.

Submissions (4):

Labcorp Genetics (formerly Invitae), Labcorp
Classification: Likely benign for Charcot-Marie-Tooth disease type 4. Last evaluated: 2025-08-20. Review status: criteria provided, single submitter. Criteria: Invitae Variant Classification Sherloc (09022015). Collection method: clinical testing. Allele origin: germline.

GeneDx
Classification: Uncertain significance. Last evaluated: 2024-08-30. Review status: criteria provided, single submitter. Criteria: GeneDx Variant Classification Process June 2021. Collection method: clinical testing. Allele origin: germline. Affected: yes.
Comment: In silico analysis indicates that this missense variant does not alter protein structure/function; Observed in the heterozygous state in an individual with suspected inherited neuropathy (PMID: 35936615); This variant is associated with the following publications: (PMID: 35936615, 37929431)

Illumina Laboratory Services, Illumina
Classification: Uncertain significance for Susceptibility to mononeuropathy of the median nerve, mild. Last evaluated: 2018-01-13. Review status: criteria provided, single submitter. Criteria: ICSL Variant Classification Criteria 13 December 2019. Collection method: clinical testing. Allele origin: germline.

Illumina Laboratory Services, Illumina
Classification: Uncertain significance for Charcot-Marie-Tooth disease type 4C. Last evaluated: 2018-01-13. Review status: criteria provided, single submitter. Criteria: ICSL Variant Classification Criteria 13 December 2019. Collection method: clinical testing. Allele origin: germline.